The following is an entry in ClinVar:

ClinVar aggregate classification (germline): Pathogenic (1 of 4 stars; one submission).

Conditions:
Polyglucosan body myopathy type 1 (PGBM1). Also called: POLYGLUCOSAN BODY MYOPATHY WITHOUT IMMUNODEFICIENCY; Polyglucosan body myopathy 1 with or without immunodeficiency. Identifiers: Orphanet 329173, Orphanet 397937, MedGen C4014605, MONDO:0014389, OMIM 615895.

Submission:

Labcorp Genetics (formerly Invitae), Labcorp
Classification: Pathogenic for Polyglucosan body myopathy type 1. Last evaluated: 2020-07-09. Review status: criteria provided, single submitter. Criteria: Invitae Variant Classification Sherloc (09022015). Collection method: clinical testing. Allele origin: germline.
Comment: For these reasons, this variant has been classified as Pathogenic. Loss-of-function variants in RBCK1 are known to be pathogenic (PMID: 2379848, 23104095, 23889995). This variant has not been reported in the literature in individuals with RBCK1-related conditions. This variant is not present in population databases (ExAC no frequency). This sequence change creates a premature translational stop signal (p.Gly196Profs*15) in the RBCK1 gene. It is expected to result in an absent or disrupted protein product.

Literature cited by the submitters: PubMed 2379848; PubMed 23104095; PubMed 23889995.

NM_031229.4(RBCK1):c.586_596del (p.Gly196fs)

Gene: RBCK1 (RANBP2-type and C3HC4-type zinc finger containing 1; plus strand). Cytogenetic location: 20p13.
Variant type: Deletion.
Coding change: c.586_596del on transcript NM_031229.4 (MANE Select); coding-DNA positions 586 to 596, 11 bases deleted (GGCTGGCAGTG).
Protein change: p.Gly196fs; shifts the reading frame from glycine 196.
Molecular consequence: frameshift variant. On other transcripts: non-coding transcript variant (1).
Genome position (GRCh38, 1-based): chr20:419,561-419,571, GGCTGGCAGTG deleted; deleting any 11 consecutive bases within chr20:419,558-419,571 gives the same sequence; the c. name uses the placement nearest the transcript's 3' end. VCF-style (leftmost placement, unchanged base first): chr20-419557-GGTGGGCTGGCA-G. GRCh37 (hg19) VCF-style: chr20-400201-GGTGGGCTGGCA-G.
Other names: c.237_247del, p.Trp79fs (NM_001323956.2, NM_001323958.2); c.460_470del, p.Gly154fs (NM_006462.6); short protein forms G154fs, G196fs, W79fs.
Identifiers: ClinVar variation 1070681 (VCV001070681.7), dbSNP rs1487503835, ClinGen allele CA634325873.
Genomic context (GRCh38, chr20:419,557, plus strand): 5'-TTCTGTGCCCCTCCCTTGCCTCACCCTGCCCAGTCGGGCTCACAGCACCCTCTGCTCCCA[GGTGGGCTGGCA>G]GTGCCCCGGGTGCACCTTCATCAACAAGCCCACGCGGCCTGGCTGTGAGATGTGCTGCCG-3'